The following is an entry in ClinVar:

NM_022132.5(MCCC2):c.1015G>A (p.Val339Met)

Gene: MCCC2 (methylcrotonyl-CoA carboxylase subunit 2; plus strand). Cytogenetic location: 5q13.2.
Variant type: single nucleotide variant.
Coding change: c.1015G>A on transcript NM_022132.5 (MANE Select); coding-DNA position 1015, G replaced by A.
Protein change: p.Val339Met; replaces valine 339 with methionine.
Molecular consequence: missense variant.
Genome position (GRCh38, 1-based): chr5:71,641,018, G>A. VCF-style: chr5-71641018-G-A. GRCh37 (hg19) VCF-style: chr5-70936845-G-A.
Other names: p.V339M:GTG>ATG; c.901G>A, p.Val301Met (NM_001363147.1); short protein forms V339M, V301M.
Identifiers: ClinVar variation 203805 (VCV000203805.98), dbSNP rs150591260, ClinGen allele CA312688.

ClinVar aggregate classification (germline): Pathogenic/Likely pathogenic. Review status: criteria provided, multiple submitters, no conflicts (2 of 4 stars). 34 submissions from 34 submitters: Pathogenic (22); Likely pathogenic (6). 6 of the submissions do not count toward it. Last evaluated 2026-06-21.

Conditions:
MCCC2-related disorder. Also called: MCCC2-related condition.
Inborn genetic diseases. Identifiers: MedGen C0950123, MeSH D030342.
Methylcrotonyl-CoA carboxylase deficiency. Also called: 3-MCC Deficiency; 3 Methylcrotonylglycinuria; Deficiency of methylcrotonoyl-CoA carboxylase. Identifiers: Orphanet 6, MedGen C4551505, MONDO:0018950.
3-methylcrotonyl-CoA carboxylase 2 deficiency. Also called: 3 alpha methylcrotonyl-CoA carboxylase 2 deficiency; 3 alpha methylcrotonylglycinuria 2; MCC 2 deficiency; Methylcrotonylglycinuria type 2; METHYLCROTONYLGLYCINURIA, TYPE II. Identifiers: Orphanet 6, MedGen C1859499, MONDO:0008862, OMIM 210210.

Allele frequency attached by ClinVar (database versions not stated): gnomAD 0.00059 and 0.00057; ExAC 0.00068; ESP Exome Variant Server 0.00069; 1000 Genomes Project 0.00040; 1000 Genomes Project 30x 0.00047; TOPMed 0.00056.

Submissions 1 to 13 of 34:

Department of Molecular Genetics, Istishari Arab Hospital
Classification: Pathogenic for 3-methylcrotonyl-CoA carboxylase 2 deficiency. Last evaluated: 2026-06-21. Review status: criteria provided, single submitter. Criteria: ACMG Guidelines, 2015. Collection method: clinical testing. Allele origin: germline. Inheritance: Autosomal recessive inheritance. Affected: yes.
Comment: The MCCC2 variant c.1015G>A p.Val339Met creates an amino acid change from Val to Met at position 339. Although this variant has been reported in the homozygous state in 4 asymptomatic individuals in the gnomad v4.1.0 dataset (<0.001), it was also previously reported in patients with 3-Methylcrotonyl-CoA carboxylase 2 deficiency (PMID: 25525159, 25087612, 27601257, 16835865, 27033733, 11181649, 27391121, 26990548, 27959697, 22642865, 25356967, 22264772, 17908719, 30510438, 31130284, 34426522, 33238263, 32778825, 33077954). It is classified as pathogenic based on the implementation of the ACMG/AMP/ClinGen SVI guidelines.

Mendelics
Classification: Pathogenic for 3-methylcrotonyl-CoA carboxylase 2 deficiency. Last evaluated: 2026-03-05. Review status: criteria provided, single submitter. Criteria: ACMG Guidelines, 2015. Collection method: clinical testing. Allele origin: unknown.
Comment: Likely pathogenic/Pathogenic according to ACMG criteria.

Dasa
Classification: Pathogenic. Last evaluated: 2026-02-24. Review status: criteria provided, single submitter. Criteria: DASA Assertion Criteria. Collection method: clinical testing. Allele origin: germline.
Comment: NM_022132.5(MCCC2):c.1015G>A (p.Val339Met) is a missense variant that results in the substitution of valine with methionine. Functional evidence supports a deleterious effect on the gene or gene product (PMID: 11181649; PMID: 22264772; PMID: 22642865; PMID: 27601257). This variant has been recurrently observed in individuals with related phenotype (PMID: 11181649; PMID: 22264772; PMID: 22642865; PMID: 27601257). Multiple computational predictions support a deleterious effect on the gene or gene product. The variant is present at low frequency in population datasets. Based on the available data, this variant is classified as pathogenic.

Labcorp Genetics (formerly Invitae), Labcorp
Classification: Pathogenic for 3-methylcrotonyl-CoA carboxylase 2 deficiency. Last evaluated: 2026-01-28. Review status: criteria provided, single submitter. Criteria: Invitae Variant Classification Sherloc (09022015). Collection method: clinical testing. Allele origin: germline.
Comment: This sequence change replaces valine, which is neutral and non-polar, with methionine, which is neutral and non-polar, at codon 339 of the MCCC2 protein (p.Val339Met). This variant is present in population databases (rs150591260, gnomAD 0.2%), and has an allele count higher than expected for a pathogenic variant. This missense change has been observed in individual(s) with 3-methylcrotonyl-CoA carboxylase (3MCC) deficiency with low MCCC2 enzymatic activity (PMID: 11181649, 22264772, 22642865, 27601257). In at least one individual the data is consistent with being in trans (on the opposite chromosome) from a pathogenic variant. ClinVar contains an entry for this variant (Variation ID: 203805). Invitae Evidence Modeling of protein sequence and biophysical properties (such as structural, functional, and spatial information, amino acid conservation, physicochemical variation, residue mobility, and thermodynamic stability) has been performed for this missense variant. However, the output from this modeling did not meet the statistical confidence thresholds required to predict the impact of this variant on MCCC2 protein function. Experimental studies have shown that this missense change affects MCCC2 function (PMID: 11181649). For these reasons, this variant has been classified as Pathogenic.

3billion
Classification: Pathogenic for 3-methylcrotonyl-CoA carboxylase 2 deficiency. Last evaluated: 2025-09-04. Review status: criteria provided, single submitter. Criteria: ACMG Guidelines, 2015. Collection method: clinical testing. Allele origin: germline. Affected: yes.
Comment: The variant is observed at an extremely low frequency in the gnomAD v4.1.0 dataset (total allele frequency: 0.067%). Predicted Consequence/Location: Missense variant Functional studies provide moderate evidence of the variant having a damaging effect on the gene or gene product (PMID: 11181649). In silico tool predictions suggest damaging effect of the variant on gene or gene product [REVEL: 0.95 (>=0.6, sensitivity 0.68 and specificity 0.92); 3Cnet: 0.98 (> 0.75, sensitivity 0.96 and precision 0.92)]. The same nucleotide change resulting in the same amino acid change has been previously reported as pathogenic/likely pathogenic with strong evidence (ClinVar ID: VCV000203805 /PMID: 11181649 /3billion dataset). The variant has been reported to be in trans with a pathogenic variant as either compound heterozygous or homozygous in at least one similarly affected unrelated individual (PMID: 30510438, 34899149). The variant has been reported to co-segregate with the disease in at least 5 similarly affected relatives/individuals in the same family or similarly affected unrelated families (PMID: 30510438, 34899149). Therefore, this variant is classified as Pathogenic according to the recommendation of ACMG/AMP guideline.

Natera, Inc.
Classification: Pathogenic for 3-methylcrotonyl-CoA carboxylase 2 deficiency. Last evaluated: 2025-08-12. Review status: criteria provided, single submitter. Criteria: Natera Variant Classification Schema (03/2026). Collection method: clinical testing. Allele origin: germline.
Comment: The c.1015G>A variant in MCCC2 is a missense variant predicted to cause substitution of valine to methionine at amino acid 339. This variant is rare in the general population with a frequency below the threshold expected for the associated phenotype(s). This variant has been observed in one or more individuals affected with the associated recessive disease, as either homozygous or compound heterozygous with a second variant (PMID: 30626930). Computational prediction algorithms indicate this variant is likely to affect gene or protein function. Given the available evidence, this variant is classified as Pathogenic.

Blueprint Genetics
Classification: Pathogenic for MCCC2-related disorders. Last evaluated: 2024-11-22. Review status: criteria provided, single submitter. Criteria: ACMG Guidelines, 2015. Collection method: clinical testing. Allele origin: germline. Affected: yes. Observed: 5 variant alleles.

Revvity Omics, Revvity
Classification: Pathogenic for 3-methylcrotonyl-CoA carboxylase 2 deficiency. Last evaluated: 2024-11-13. Review status: criteria provided, single submitter. Criteria: ACMG Guidelines, 2015. Collection method: clinical testing. Allele origin: germline.

CeGaT Center for Human Genetics Tuebingen
Classification: Pathogenic. Last evaluated: 2024-11-01. Review status: criteria provided, single submitter. Criteria: CeGaT Center For Human Genetics Tuebingen Variant Classification Criteria Version 2. Collection method: clinical testing. Allele origin: germline. Affected: yes. Observed: 6 variant alleles.
Comment: MCCC2: PM3:Strong, PM2, PP1, PP3, PP4, PS3:Supporting

Greenwood Genetic Center Diagnostic Laboratories, Greenwood Genetic Center
Classification: Pathogenic for 3-methylcrotonyl-CoA carboxylase 2 deficiency. Last evaluated: 2024-09-16. Review status: criteria provided, single submitter. Criteria: ACMG Guidelines, 2015. Collection method: clinical testing. Allele origin: germline. Affected: yes.
Comment: PS3, PM3_Strong

Genomic Medicine Center of Excellence, King Faisal Specialist Hospital and Research Centre
Classification: Likely pathogenic for 3-methylcrotonyl-CoA carboxylase 2 deficiency. Last evaluated: 2024-09-02. Review status: criteria provided, single submitter. Criteria: ACMG Guidelines, 2015. Collection method: clinical testing. Allele origin: germline.

Fulgent Genetics
Classification: Pathogenic for 3-methylcrotonyl-CoA carboxylase 2 deficiency. Last evaluated: 2024-04-17. Review status: criteria provided, single submitter. Criteria: ACMG Guidelines, 2015. Collection method: clinical testing. Allele origin: germline.

Women's Health and Genetics/Laboratory Corporation of America, LabCorp
Classification: Pathogenic for Methylcrotonyl-CoA carboxylase deficiency. Last evaluated: 2023-12-15. Review status: criteria provided, single submitter. Criteria: LabCorp Variant Classification Summary - May 2015. Collection method: clinical testing. Allele origin: germline.
Comment: Variant summary: MCCC2 c.1015G>A (p.Val339Met) results in a conservative amino acid change in the encoded protein sequence. Four of five in-silico tools predict a damaging effect of the variant on protein function. The variant allele was found at a frequency of 0.00078 in 251374 control chromosomes. This frequency is not significantly higher than estimated for a pathogenic variant in MCCC2 causing Methylcrotonyl-CoA Carboxylase Deficiency (0.00078 vs 0.0042), allowing no conclusion about variant significance. c.1015G>A has been reported in the literature in multiple individuals affected with Methylcrotonyl-CoA Carboxylase Deficiency. These data indicate that the variant is very likely to be associated with disease. To our knowledge, no experimental evidence demonstrating an impact on protein function has been reported. The following publications have been ascertained in the context of this evaluation (PMID: 30510438, 22642865). Seventeen submitters have cited clinical-significance assessments for this variant to ClinVar after 2014. All submitters classified the variant as pathogenic/likely pathogenic. Based on the evidence outlined above, the variant was classified as pathogenic.